The following is an entry in ClinVar:

NM_003835.4(RGS9):c.495G>A (p.Gln165=)

Gene: RGS9 (regulator of G protein signaling 9; plus strand). Cytogenetic location: 17q24.1.
Variant type: single nucleotide variant.
Coding change: c.495G>A on transcript NM_003835.4 (MANE Select); coding-DNA position 495, G replaced by A.
Protein change: p.Gln165=; no amino-acid change (glutamine 165 retained).
Molecular consequence: synonymous variant.
Genome position (GRCh38, 1-based): chr17:65,163,084, G>A. VCF-style: chr17-65163084-G-A. GRCh37 (hg19) VCF-style: chr17-63159202-G-A.
Other names: c.495G>A, p.Gln165= (NM_001081955.3, NM_001165933.2).
Identifiers: ClinVar variation 286372 (VCV000286372.43), dbSNP rs147874330, ClinGen allele CA8717684.

ClinVar aggregate classification (germline): Benign/Likely benign. Review status: criteria provided, multiple submitters, no conflicts (2 of 4 stars). 6 submissions from 6 submitters: Benign (1); Likely benign (3). 2 of the submissions do not count toward it. Last evaluated 2026-02-01.

Allele frequency attached by ClinVar (database versions not stated): 1000 Genomes Project 0.00140; 1000 Genomes Project 30x 0.00141; gnomAD 0.00369 and 0.00375; TOPMed 0.00386; gnomAD exomes 0.00418 and 0.00478; ExAC 0.00443; ESP Exome Variant Server 0.00462.
gnomAD v4.1: 7,431 of 1,584,642 alleles (0.47%); highest among the groups gnomAD compares: Middle Eastern, 0.88%; 34 homozygotes.

Submissions (6):

Labcorp Genetics (formerly Invitae), Labcorp
Classification: Benign. Last evaluated: 2026-02-01. Review status: criteria provided, single submitter. Criteria: Invitae Variant Classification Sherloc (09022015). Collection method: clinical testing. Allele origin: germline.

CeGaT Center for Human Genetics Tuebingen
Classification: Likely benign. Last evaluated: 2024-08-01. Review status: criteria provided, single submitter. Criteria: CeGaT Center For Human Genetics Tuebingen Variant Classification Criteria Version 2. Collection method: clinical testing. Allele origin: germline. Affected: yes. Observed: 2 variant alleles.
Comment: RGS9: BP4, BS2

Eurofins Ntd Llc (ga)
Classification: Likely benign. Last evaluated: 2016-04-05. Review status: criteria provided, single submitter. Criteria: EGL Classification Definitions 2015. Collection method: clinical testing. Allele origin: germline. Observed: 1 variant allele, 1 heterozygote.

Breakthrough Genomics
Classification: Likely benign. Review status: criteria provided, single submitter. Criteria: ACMG Guidelines, 2015. Collection method: not provided. Allele origin: germline. Inheritance: Unknown mechanism. Affected: yes.

Clinical Genetics DNA and cytogenetics Diagnostics Lab, Erasmus MC, Erasmus Medical Center
Classification: Likely benign. Review status: no assertion criteria provided. Collection method: clinical testing. Allele origin: germline. Affected: yes. Study: VKGL Data-share Consensus. Not counted in ClinVar's aggregate classification.

Clinical Genetics, Academic Medical Center
Classification: Benign. Review status: no assertion criteria provided. Collection method: clinical testing. Allele origin: germline. Affected: yes. Study: VKGL Data-share Consensus. Not counted in ClinVar's aggregate classification.